The following is an entry in ClinVar:

ClinVar aggregate classification (germline): Conflicting classifications of pathogenicity. Review status: criteria provided, conflicting classifications (1 of 4 stars). 4 submissions from 4 submitters: Uncertain significance (1); Benign (1); Likely benign (2). Last evaluated 2025-04-27.

Conditions:
Hereditary diffuse gastric adenocarcinoma (HDGC). Also called: DIFFUSE GASTRIC AND LOBULAR BREAST CANCER SYNDROME. Identifiers: Orphanet 26106, MedGen C1708349, MONDO:0007648, OMIM 137215.
Hereditary nonpolyposis colon cancer (HNPCC). Also called: Hereditary nonpolyposis colorectal cancer; Familial nonpolyposis colon cancer; Hereditary Nonpolyposis Colorectal Cancer Syndrome. Identifiers: Orphanet 443909, MedGen C1333990, MONDO:0018630. Disease mechanism: loss of function.
Hereditary cancer-predisposing syndrome. Also called: Tumor predisposition; Hereditary neoplastic syndrome; Hereditary Cancer Syndrome; Neoplastic Syndromes, Hereditary. Identifiers: Orphanet 140162, MedGen C0027672, MeSH D009386, MONDO:0015356.

Allele frequency attached by ClinVar (database versions not stated): gnomAD exomes below 0.00001.
gnomAD v4.1: 6 of 1,614,194 alleles (0.00037%); highest among the groups gnomAD compares: Non-Finnish European, 0.00051%; no homozygotes.

Submissions (4):

Labcorp Genetics (formerly Invitae), Labcorp
Classification: Likely benign. Last evaluated: 2025-04-27. Review status: criteria provided, single submitter. Criteria: Invitae Variant Classification Sherloc (09022015). Collection method: clinical testing. Allele origin: germline.

Department of Pathology and Laboratory Medicine, Sinai Health System
Classification: Uncertain significance for hereditary nonpolyposis colon cancer. Last evaluated: 2024-10-22. Review status: criteria provided, single submitter. Criteria: ACMG Guidelines, 2015. Collection method: clinical testing. Allele origin: germline.

Myriad Genetics, Inc.
Classification: Benign for Hereditary diffuse gastric adenocarcinoma. Last evaluated: 2024-10-10. Review status: criteria provided, single submitter. Criteria: Myriad Autosomal Dominant, Autosomal Recessive and X-Linked Classification Criteria (2023). Collection method: clinical testing. Allele origin: unknown.
Comment: This variant is considered benign. This variant is a silent/synonymous amino acid change and it is not expected to impact splicing.

Ambry Genetics
Classification: Likely benign for Hereditary cancer-predisposing syndrome. Last evaluated: 2019-02-13. Review status: criteria provided, single submitter. Criteria: Ambry Variant Classification Scheme 2023. Collection method: clinical testing. Allele origin: germline.

NM_001903.5(CTNNA1):c.807G>A (p.Gln269=)

Gene: CTNNA1 (catenin alpha 1; plus strand). Cytogenetic location: 5q31.2.
Variant type: single nucleotide variant.
Coding change: c.807G>A on transcript NM_001903.5 (MANE Select); coding-DNA position 807, G replaced by A.
Protein change: p.Gln269=; no amino-acid change (glutamine 269 retained).
Molecular consequence: synonymous variant.
Genome position (GRCh38, 1-based): chr5:138,824,748, G>A. VCF-style: chr5-138824748-G-A. GRCh37 (hg19) VCF-style: chr5-138160437-G-A.
Other names: c.807G>A, p.Gln269= (NM_001290307.3, NM_001323982.2, NM_001323983.1 and 3 more transcripts); c.498G>A, p.Gln166= (NM_001290309.3); c.438G>A, p.Gln146= (NM_001290310.3).
Identifiers: ClinVar variation 700426 (VCV000700426.17), dbSNP rs1581168117, ClinGen allele CA446595064.